The following is an entry in ClinVar:

ClinVar aggregate classification (germline): Pathogenic/Likely pathogenic. Review status: criteria provided, multiple submitters, no conflicts (2 of 4 stars). 5 submissions from 5 submitters: Pathogenic (3); Likely pathogenic (1). 1 of the submissions does not count toward it. Last evaluated 2023-09-12.

Conditions:
Hereditary cancer-predisposing syndrome. Also called: Tumor predisposition; Hereditary neoplastic syndrome; Neoplastic Syndromes, Hereditary; Hereditary Cancer Syndrome. Identifiers: Orphanet 140162, MedGen C0027672, MeSH D009386, MONDO:0015356.
Familial cancer of breast. Also called: hereditary breast carcinoma; BREAST CANCER, FAMILIAL; Hereditary breast cancer. Identifiers: Orphanet 227535, MedGen C0346153, MONDO:0016419, OMIM 114480. Disease mechanism: loss of function.

Submissions (5):

Myriad Genetics, Inc.
Classification: Pathogenic for Familial cancer of breast. Last evaluated: 2023-09-12. Review status: criteria provided, single submitter. Criteria: Myriad Autosomal Dominant, Autosomal Recessive and X-Linked Classification Criteria (2023). Collection method: clinical testing. Allele origin: unknown.
Comment: This variant is considered pathogenic. This variant creates a frameshift predicted to result in premature protein truncation.

Ambry Genetics
Classification: Pathogenic for Hereditary cancer-predisposing syndrome. Last evaluated: 2020-01-24. Review status: criteria provided, single submitter. Criteria: Ambry Variant Classification Scheme 2023. Collection method: clinical testing. Allele origin: germline.
Comment: The c.2391delA pathogenic mutation, located in coding exon 5 of the PALB2 gene, results from a deletion of one nucleotide at nucleotide position 2391, causing a translational frameshift with a predicted alternate stop codon (p.Q797Hfs*54). This mutation (designated as c.2390del) was detected in 1/347 Australian triple-negative breast cancer patients (Wong-Brown MW et al. Int. J. Cancer, 2014 Jan;134:301-5). It was also reported in a patient with breast cancer and a family history of melanoma, non-Hodgkin's lymphoma, bladder cancer, and breast cancer (Thompson ER et al. Breast Cancer Res., 2015 Aug;17:111). In addition to the clinical data presented in the literature, this alteration is expected to result in loss of function by premature protein truncation or nonsense-mediated mRNA decay. As such, this alteration is interpreted as a disease-causing mutation.

University of Washington Department of Laboratory Medicine, University of Washington
Classification: Pathogenic for Hereditary cancer-predisposing syndrome. Last evaluated: 2015-11-20. Review status: criteria provided, single submitter. Criteria: Shirts et al. (Genet Med 2016). Collection method: clinical testing. Allele origin: germline. Affected: no. Observed: 1 variant allele.

Cancer Genetics Laboratory, Peter MacCallum Cancer Centre
Classification: Likely pathogenic for Familial cancer of breast. Last evaluated: 2015-06-01. Review status: criteria provided, single submitter. Criteria: Thompson et al. (Breast Cancer Res. 2015). Collection method: case-control. Allele origin: germline. Affected: yes. Observed: 1 variant allele, 1 heterozygote.

Leiden Open Variation Database
Classification: Pathogenic for Familial cancer of breast. Last evaluated: 2019-05-13. Review status: no assertion criteria provided. Collection method: curation. Allele origin: germline. Affected: yes. Not counted in ClinVar's aggregate classification.
Comment: Curators: Marc Tischkowitz, Arleen D. Auerbach. Submitter to LOVD: Marc Tischkowitz.

Literature cited by the submitters: PubMed 23824750 (cited by Ambry Genetics and Leiden Open Variation Database); PubMed 26283626 (cited by Ambry Genetics); PubMed 26786923 (cited by Ambry Genetics).

NM_024675.4(PALB2):c.2391del (p.Gln797fs)

Gene: PALB2 (partner and localizer of BRCA2; minus strand). Cytogenetic location: 16p12.2.
Variant type: Deletion.
Coding change: c.2391del on transcript NM_024675.4 (MANE Select); coding-DNA position 2391, one base deleted (A; older notation c.2391delA).
Protein change: p.Gln797fs; shifts the reading frame from glutamine 797.
Molecular consequence: frameshift variant.
Genome position (GRCh38, 1-based): chr16:23,629,763, T deleted on the plus strand (A on the coding strand, the reverse complement: PALB2 is on the minus strand); the first of 2 consecutive T bases (chr16:23,629,763-23,629,764); deleting either gives the same sequence. VCF-style (leftmost placement, unchanged base first): chr16-23629762-GT-G. GRCh37 (hg19) VCF-style: chr16-23641083-GT-G.
Other names: NM_024675.3:c.2391del; c.2391delA (NM_024675.3); short protein forms Q797fs.
Identifiers: ClinVar variation 224539 (VCV000224539.10), dbSNP rs1555460360, ClinGen allele CA269532.